The following is an entry in ClinVar:

ClinVar aggregate classification (germline): Likely benign. Review status: criteria provided, multiple submitters, no conflicts (2 of 4 stars). 2 submissions from 2 submitters: Likely benign (2). Last evaluated 2025-07-31.

Conditions:
CDH23-related disorder. Also called: CDH23-related disorders; CDH23-related condition.

Allele frequency attached by ClinVar (database versions not stated): ExAC 0.00002; gnomAD exomes 0.00002; TOPMed 0.00002; gnomAD 0.00004 and 0.00005; 1000 Genomes Project 30x 0.00016; 1000 Genomes Project 0.00020.
gnomAD v4.1: 14 of 1,614,016 alleles (0.00087%); highest among the groups gnomAD compares: African/African-American, 0.017%; no homozygotes.

Submissions (2):

Labcorp Genetics (formerly Invitae), Labcorp
Classification: Likely benign. Last evaluated: 2025-07-31. Review status: criteria provided, single submitter. Criteria: Invitae Variant Classification Sherloc (09022015). Collection method: clinical testing. Allele origin: germline.

PreventionGenetics, part of Exact Sciences
Classification: Likely benign for CDH23-related condition. Last evaluated: 2024-10-21. Review status: criteria provided, single submitter. Criteria: ACMG Guidelines, 2015. Collection method: clinical testing. Allele origin: germline.
Comment: This variant is classified as likely benign based on ACMG/AMP sequence variant interpretation guidelines (Richards et al. 2015 PMID: 25741868, with internal and published modifications).

NM_022124.6(CDH23):c.1011G>T (p.Leu337=)

Gene: CDH23 (cadherin related 23; plus strand). Cytogenetic location: 10q22.1.
Variant type: single nucleotide variant.
Coding change: c.1011G>T on transcript NM_022124.6 (MANE Select); coding-DNA position 1011, G replaced by T.
Protein change: p.Leu337=; no amino-acid change (leucine 337 retained).
Molecular consequence: synonymous variant.
Genome position (GRCh38, 1-based): chr10:71,617,270, G>T. VCF-style: chr10-71617270-G-T. GRCh37 (hg19) VCF-style: chr10-73377027-G-T.
Other names: c.1011G>T (NM_022124.5); c.1011G>T, p.Leu337= (NM_001171930.2, NM_001171931.2, NM_001171932.2 and 1 more transcripts).
Identifiers: ClinVar variation 1637327 (VCV001637327.9), dbSNP rs201783407, ClinGen allele CA5543621.
Genomic context (GRCh38, chr10:71,617,270, plus strand): 5'-GGAGCTGAACGATGACCGCACCCCATCTGACGCTACAGTCACCACGACCTTCAATATCCT[G>T]GTTATTGACATCAATGACAATGCCCCGGAGTTCAACAGCTCCGAGTACAGCGTGGCCATC-3'
Protein context (NP_071407.4, residues 327-347): DATVTTTFNI[Leu337=]VIDINDNAPE